The following is an entry in ClinVar:

ClinVar aggregate classification (germline): Uncertain significance (1 of 4 stars; one submission).

Submission:

CeGaT Center for Human Genetics Tuebingen
Classification: Uncertain significance. Last evaluated: 2024-10-01. Review status: criteria provided, single submitter. Criteria: CeGaT Center For Human Genetics Tuebingen Variant Classification Criteria Version 2. Collection method: clinical testing. Allele origin: germline. Affected: yes. Observed: 1 variant allele.
Comment: COL1A1: PM2

NM_000088.4(COL1A1):c.1979A>G (p.Glu660Gly)

Gene: COL1A1 (collagen type I alpha 1 chain; minus strand). Cytogenetic location: 17q21.33.
Variant type: single nucleotide variant.
Coding change: c.1979A>G on transcript NM_000088.4 (MANE Select); coding-DNA position 1979, A replaced by G.
Protein change: p.Glu660Gly; replaces glutamic acid 660 with glycine.
Molecular consequence: missense variant.
Genome position (GRCh38, 1-based): chr17:50,192,479, T>C on the plus strand (A>G on the coding strand, the complement: COL1A1 is on the minus strand). VCF-style: chr17-50192479-T-C. GRCh37 (hg19) VCF-style: chr17-48269840-T-C.
Other names: short protein forms E660G.
Identifiers: ClinVar variation 3389974 (VCV003389974.14).